The following is an entry in ClinVar:

ClinVar aggregate classification (germline): Uncertain significance (0 of 4 stars; one submission).

Conditions:
BBS12-related disorder. Also called: BBS12-related condition.

gnomAD v4.1: 1 of 1,614,142 alleles (0.000062%); no homozygotes.

Submission:

PreventionGenetics, part of Exact Sciences
Classification: Uncertain significance for BBS12-related condition. Last evaluated: 2024-01-24. Review status: no assertion criteria provided. Collection method: clinical testing. Allele origin: germline.
Comment: The BBS12 c.1455C>A variant is predicted to result in the amino acid substitution p.Asn485Lys. To our knowledge, this variant has not been reported in the literature or in a large population database, indicating this variant is rare. At this time, the clinical significance of this variant is uncertain due to the absence of conclusive functional and genetic evidence.

NM_152618.3(BBS12):c.1455C>A (p.Asn485Lys)

Gene: BBS12 (Bardet-Biedl syndrome 12; plus strand). Cytogenetic location: 4q27.
Variant type: single nucleotide variant.
Coding change: c.1455C>A on transcript NM_152618.3 (MANE Select); coding-DNA position 1455, C replaced by A.
Protein change: p.Asn485Lys; replaces asparagine 485 with lysine.
Molecular consequence: missense variant.
Genome position (GRCh38, 1-based): chr4:122,743,347, C>A. VCF-style: chr4-122743347-C-A. GRCh37 (hg19) VCF-style: chr4-123664502-C-A.
Other names: c.1455C>A, p.Asn485Lys (NM_001178007.2); short protein forms N485K.
Identifiers: ClinVar variation 3058503 (VCV003058503.2), dbSNP rs769369013, ClinGen allele CA358225156.